The following is an entry in ClinVar:

NM_198252.3(GSN):c.-9-2044G>A

Gene: GSN (gelsolin; plus strand). Cytogenetic location: 9q33.2.
Variant type: single nucleotide variant.
Coding change: c.-9-2044G>A on transcript NM_198252.3 (MANE Select); 2044 bases into the intron before 9 bases upstream of the start codon, G replaced by A.
Molecular consequence: intron variant. On other transcripts: missense variant (1).
Genome position (GRCh38, 1-based): chr9:121,299,919, G>A. VCF-style: chr9-121299919-G-A. GRCh37 (hg19) VCF-style: chr9-124062197-G-A.
Other names: c.58G>A, p.Ala20Thr (NM_000177.5); c.-9-2044G>A (NM_001353054.1, NM_001353053.1, NM_001353060.2 and 5 more transcripts); c.-47-137G>A (NM_001353064.2, NM_001353066.2, NM_001353072.2 and 8 more transcripts); c.-1-2052G>A (NM_001353058.2, NM_001353059.2, NM_001353056.2 and 1 more transcripts); c.-38-146G>A (NM_001353073.2, NM_001353065.2, NM_001353068.2 and 2 more transcripts); c.100-2044G>A (NM_001127663.2); c.-32-152G>A (NM_001353070.2); c.-48-2005G>A (NM_001353055.2); and 3 more; short protein forms A20T.
Identifiers: ClinVar variation 1925206 (VCV001925206.5), dbSNP rs772098788, ClinGen allele CA5220652.

ClinVar aggregate classification (germline): Uncertain significance (1 of 4 stars; one submission).

Allele frequency attached by ClinVar (database versions not stated): gnomAD 0.00001; ExAC 0.00044.
gnomAD v4.1: 8 of 1,262,686 alleles (0.00063%); highest among the groups gnomAD compares: South Asian, 0.024%; no homozygotes.

Submission:

Labcorp Genetics (formerly Invitae), Labcorp
Classification: Uncertain significance. Last evaluated: 2022-09-23. Review status: criteria provided, single submitter. Criteria: Invitae Variant Classification Sherloc (09022015). Collection method: clinical testing. Allele origin: germline.
Comment: This sequence change replaces alanine, which is neutral and non-polar, with threonine, which is neutral and polar, at codon 20 of the GSN protein (p.Ala20Thr). This variant is present in population databases (rs772098788, gnomAD 0.09%). This variant has not been reported in the literature in individuals affected with GSN-related conditions. Algorithms developed to predict the effect of missense changes on protein structure and function output the following: SIFT: "Tolerated"; PolyPhen-2: "Benign"; Align-GVGD: "Class C0". The threonine amino acid residue is found in multiple mammalian species, which suggests that this missense change does not adversely affect protein function. In summary, the available evidence is currently insufficient to determine the role of this variant in disease. Therefore, it has been classified as a Variant of Uncertain Significance.